The following is an entry in ClinVar:

ClinVar aggregate classification (germline): Pathogenic (1 of 4 stars; one submission).

Submission:

Labcorp Genetics (formerly Invitae), Labcorp
Classification: Pathogenic. Last evaluated: 2022-10-16. Review status: criteria provided, single submitter. Criteria: Invitae Variant Classification Sherloc (09022015). Collection method: clinical testing. Allele origin: germline.
Comment: This variant results in a copy number gain of the genomic region encompassing exon(s) 4-7 of the CNGB3 gene. While the exact position of this variant cannot be determined from the data, sub-genic copy number gains are generally in tandem (PMID: 25640679). This variant is predicted to be out-of-frame, and may result in an absent or disrupted protein product. Loss-of-function variants in CNGB3 are known to be pathogenic (PMID: 28795510). A similar copy number variant has been observed in individual(s) with CNGB3-related conditions (PMID: 28795510). In at least one individual the data is consistent with being in trans (on the opposite chromosome) from a pathogenic variant. For these reasons, this variant has been classified as Pathogenic.

Literature cited by the submitters: PubMed 25640679; PubMed 28795510.

NC_000008.10:g.(?_87666220)_(87683346_?)dup

Gene: CNGB3 (cyclic nucleotide gated channel subunit beta 3; minus strand). Cytogenetic location: 8q21.3.
Variant type: Duplication.
Identifiers: ClinVar variation 2426513 (VCV002426513.3).